The following is an entry in ClinVar:

ClinVar aggregate classification (germline): Uncertain significance (1 of 4 stars; one submission).

Allele frequency attached by ClinVar (database versions not stated): gnomAD 0.00001.

Submission:

Ambry Genetics
Classification: Uncertain significance. Last evaluated: 2024-06-03. Review status: criteria provided, single submitter. Criteria: Ambry Variant Classification Scheme 2023. Collection method: clinical testing. Allele origin: germline.
Comment: The p.A139G variant (also known as c.416C>G), located in coding exon 1 of the EGLN1 gene, results from a C to G substitution at nucleotide position 416. The alanine at codon 139 is replaced by glycine, an amino acid with similar properties. This amino acid position is conserved. In addition, this alteration is predicted to be tolerated by in silico analysis. Since supporting evidence is limited at this time, the clinical significance of this alteration remains unclear.

NM_022051.3(EGLN1):c.416C>G (p.Ala139Gly)

Gene: EGLN1 (egl-9 family hypoxia inducible factor 1; minus strand). Cytogenetic location: 1q42.2.
Variant type: single nucleotide variant.
Coding change: c.416C>G on transcript NM_022051.3 (MANE Select); coding-DNA position 416, C replaced by G.
Protein change: p.Ala139Gly; replaces alanine 139 with glycine.
Molecular consequence: missense variant.
Genome position (GRCh38, 1-based): chr1:231,421,473, G>C on the plus strand (C>G on the coding strand, the complement: EGLN1 is on the minus strand). VCF-style: chr1-231421473-G-C. GRCh37 (hg19) VCF-style: chr1-231557219-G-C.
Other names: c.416C>G, p.Ala139Gly (NM_001377260.1, NM_001377261.1); short protein forms A139G.
Identifiers: ClinVar variation 1738401 (VCV001738401.4), dbSNP rs914321399, ClinGen allele CA38948826.